The following is an entry in ClinVar:

ClinVar aggregate classification (germline): Likely benign. Review status: criteria provided, multiple submitters, no conflicts (2 of 4 stars). 3 submissions from 3 submitters: Likely benign (2). 1 of the submissions does not count toward it. Last evaluated 2026-01-24.

Conditions:
ARHGEF18-related disorder. Also called: ARHGEF18-related condition.

Allele frequency attached by ClinVar (database versions not stated): gnomAD exomes 0.00529 and 0.00319; 1000 Genomes Project 0.00060; 1000 Genomes Project 30x 0.00078; gnomAD 0.00375 and 0.00378; ExAC 0.00380; TOPMed 0.00380; ESP Exome Variant Server 0.00456.
gnomAD v4.1: 8,282 of 1,597,782 alleles (0.52%); highest among the groups gnomAD compares: Non-Finnish European, 0.6%; 35 homozygotes.

Submissions (3):

Labcorp Genetics (formerly Invitae), Labcorp
Classification: Likely benign. Last evaluated: 2026-01-24. Review status: criteria provided, single submitter. Criteria: Invitae Variant Classification Sherloc (09022015). Collection method: clinical testing. Allele origin: germline.

CeGaT Center for Human Genetics Tuebingen
Classification: Likely benign. Last evaluated: 2025-06-01. Review status: criteria provided, single submitter. Criteria: CeGaT Center For Human Genetics Tuebingen Variant Classification Criteria Version 2. Collection method: clinical testing. Allele origin: germline. Affected: yes. Observed: 1 variant allele.
Comment: ARHGEF18: BP4, BS2

PreventionGenetics, part of Exact Sciences
Classification: Benign for ARHGEF18-related condition. Last evaluated: 2019-05-03. Review status: no assertion criteria provided. Collection method: clinical testing. Allele origin: germline. Not counted in ClinVar's aggregate classification.
Comment: This variant is classified as benign based on ACMG/AMP sequence variant interpretation guidelines (Richards et al. 2015 PMID: 25741868, with internal and published modifications).

NM_001367823.1(ARHGEF18):c.3661G>A (p.Ala1221Thr)

Gene: ARHGEF18 (Rho/Rac guanine nucleotide exchange factor 18; plus strand). Cytogenetic location: 19p13.2.
Variant type: single nucleotide variant.
Coding change: c.3661G>A on transcript NM_001367823.1 (MANE Select); coding-DNA position 3661, G replaced by A.
Protein change: p.Ala1221Thr; replaces alanine 1221 with threonine.
Molecular consequence: missense variant.
Genome position (GRCh38, 1-based): chr19:7,469,005, G>A. VCF-style: chr19-7469005-G-A. GRCh37 (hg19) VCF-style: chr19-7533891-G-A.
Other names: c.2935G>A, p.Ala979Thr (NM_001130955.2); c.2623G>A, p.Ala875Thr (NM_001367824.1, NM_015318.4); short protein forms A875T, A1221T, A979T.
Identifiers: ClinVar variation 710480 (VCV000710480.20), dbSNP rs117824875, ClinGen allele CA9137209.
Genomic context (GRCh38, chr19:7,469,005, plus strand): 5'-GACAGCGCCCCCACCGAGAACCGGCTGGCCAAGAGCGATGTGCCCATCCAGCTGCTCAGC[G>A]CCACCAACCAGTTCCAGAGGCAGGCGGCCGTGCAGCAGCAGATCCCCACCAAGCTGGCGG-3'
Protein context (NP_001354752.1, residues 1211-1231): KSDVPIQLLS[Ala1221Thr]TNQFQRQAAV